The following is an entry in ClinVar:

NM_014639.4(SKIC3):c.2114+5G>A

Gene: SKIC3 (SKI3 subunit of superkiller complex; minus strand). Cytogenetic location: 5q15.
Variant type: single nucleotide variant.
Coding change: c.2114+5G>A on transcript NM_014639.4 (MANE Select); 5 bases into the intron after coding-DNA position 2114, G replaced by A.
Molecular consequence: intron variant.
Genome position (GRCh38, 1-based): chr5:95,520,711, C>T on the plus strand (G>A on the coding strand, the complement: SKIC3 is on the minus strand). VCF-style: chr5-95520711-C-T. GRCh37 (hg19) VCF-style: chr5-94856415-C-T.
Other names: c.2114+5G>A (NM_014639.3).
Identifiers: ClinVar variation 2152005 (VCV002152005.4), dbSNP rs775874166, ClinGen allele CA3347165.

ClinVar aggregate classification (germline): Conflicting classifications of pathogenicity. Review status: criteria provided, conflicting classifications (1 of 4 stars). 3 submissions from 3 submitters: Likely pathogenic (2); Uncertain significance (1). Last evaluated 2026-01-13.

Conditions:
Trichohepatoenteric syndrome. Also called: THE SYNDROME; Syndromic diarrhea; Tricho-hepato-enteric syndrome. Identifiers: Orphanet 84064, MedGen C1857276, MONDO:0009105.

Allele frequency attached by ClinVar (database versions not stated): TOPMed below 0.00001; gnomAD 0.00001.
gnomAD v4.1: 30 of 1,601,020 alleles (0.0019%); highest among the groups gnomAD compares: East Asian, 0.0067%; no homozygotes.

Submissions (3):

Labcorp Genetics (formerly Invitae), Labcorp
Classification: Likely pathogenic. Last evaluated: 2026-01-13. Review status: criteria provided, single submitter. Criteria: Invitae Variant Classification Sherloc (09022015). Collection method: clinical testing. Allele origin: germline.
Comment: This sequence change falls in intron 20 of the TTC37 gene. It does not directly change the encoded amino acid sequence of the TTC37 protein. It affects a nucleotide within the consensus splice site. This variant is present in population databases (rs775874166, gnomAD 0.02%). This variant has been observed in individuals with clinical features of trichohepatoenteric syndrome (PMID: 29527791, 34037310, 35464432, 36964972). ClinVar contains an entry for this variant (Variation ID: 2152005). Variants that disrupt the consensus splice site are a relatively common cause of aberrant splicing (PMID: 17576681, 9536098). Algorithms developed to predict the effect of sequence changes on RNA splicing suggest that this variant may disrupt the consensus splice site. In summary, the currently available evidence indicates that the variant is pathogenic, but additional data are needed to prove that conclusively. Therefore, this variant has been classified as Likely Pathogenic.

Blueprint Genetics
Classification: Uncertain significance. Last evaluated: 2023-05-09. Review status: criteria provided, single submitter. Criteria: ACMG Guidelines, 2015. Collection method: clinical testing. Allele origin: germline.

Women's Health and Genetics/Laboratory Corporation of America, LabCorp
Classification: Likely pathogenic for Trichohepatoenteric syndrome. Last evaluated: 2023-03-14. Review status: criteria provided, single submitter. Criteria: LabCorp Variant Classification Summary - May 2015. Collection method: clinical testing. Allele origin: germline.
Comment: Variant summary: TTC37 c.2114+5G>A alters a conserved nucleotide located close to a canonical splice site and therefore could affect mRNA splicing, leading to a significantly altered protein sequence. 4/4 computational tools predict no significant impact on splicing at the canonical Wild Type and the Mutant location. This precludes an exact estimation of the computational splicing impact. At least one in-silico tool (TraP, Transcript-inferred Pathogenicity, Gelfman_2017) predicts this variant as probably pathogenic. The variant allele was found at a frequency of 5.7e-05 in 246692 control chromosomes (gnomAD). This frequency is not significantly higher than estimated for a pathogenic variant in TTC37 causing Trichohepatoenteric Syndrome (5.7e-05 vs 0.00093), allowing no conclusion about variant significance. c.2114+5G>A has been reported in the literature in at least two homozygous individuals affected with Trichohepatoenteric Syndrome in two unrelated families (Bourgeois_2018, Dorum_2021). In addition, in one Turkey family, the variant co-segregated with the disease (Dorum_2021). These data indicate that the variant is likely to be associated with disease. To our knowledge, no experimental evidence demonstrating an impact on protein function has been reported. One ClinVar submitter (evaluation after 2014) cites this variant as uncertain significance. Based on the evidence outlined above, the variant was classified as likely pathogenic.

Literature cited by the submitters: PubMed 29527791 (cited by Labcorp Genetics (formerly Invitae), Labcorp and Women's Health and Genetics/Laboratory Corporation of America, LabCorp); PubMed 34037310 (cited by Labcorp Genetics (formerly Invitae), Labcorp and Women's Health and Genetics/Laboratory Corporation of America, LabCorp); PubMed 35464432 (cited by Labcorp Genetics (formerly Invitae), Labcorp and Women's Health and Genetics/Laboratory Corporation of America, LabCorp); PubMed 36964972 (cited by Labcorp Genetics (formerly Invitae), Labcorp); PubMed 17576681 (cited by Labcorp Genetics (formerly Invitae), Labcorp); PubMed 9536098 (cited by Labcorp Genetics (formerly Invitae), Labcorp).